The following is an entry in ClinVar:

NM_001281740.3(FHOD3):c.4708G>A (p.Val1570Ile)

Gene: FHOD3 (formin homology 2 domain containing 3; plus strand). Cytogenetic location: 18q12.2.
Variant type: single nucleotide variant.
Coding change: c.4708G>A on transcript NM_001281740.3 (MANE Select); coding-DNA position 4708, G replaced by A.
Protein change: p.Val1570Ile; replaces valine 1570 with isoleucine.
Molecular consequence: missense variant.
Genome position (GRCh38, 1-based): chr18:36,769,348, G>A. VCF-style: chr18-36769348-G-A. GRCh37 (hg19) VCF-style: chr18-34349311-G-A.
Other names: c.4108G>A, p.Val1370Ile (NM_001281739.3); c.4159G>A, p.Val1387Ile (NM_025135.5); c.4708G>A (NM_001281740.2); short protein forms V1370I, V1387I, V1570I.
Identifiers: ClinVar variation 3363119 (VCV003363119.5), dbSNP rs201824593.

ClinVar aggregate classification (germline): Likely benign. Review status: criteria provided, multiple submitters, no conflicts (2 of 4 stars). 5 submissions from 5 submitters: Likely benign (4). 1 of the submissions does not count toward it. Last evaluated 2026-08-01.

Conditions:
Hypertrophic cardiomyopathy. Also called: HYPERTROPHIC MYOCARDIOPATHY. Identifiers: Orphanet 217569, MedGen C0007194, MeSH D002312, MONDO:0005045, HP:0001639.
FHOD3-related disorder. Also called: FHOD3-related condition.

gnomAD v4.1: 743 of 1,614,158 alleles (0.046%); highest among the groups gnomAD compares: South Asian, 0.51%; 5 homozygotes.

Submissions (5):

CeGaT Center for Human Genetics Tuebingen
Classification: Likely benign. Last evaluated: 2026-08-01. Review status: criteria provided, single submitter. Criteria: CeGaT Center For Human Genetics Tuebingen Variant Classification Criteria Version 2. Collection method: clinical testing. Allele origin: germline. Affected: yes. Observed: 1 variant allele.
Comment: FHOD3: BS1

PreventionGenetics, part of Exact Sciences
Classification: Likely benign for FHOD3-related condition. Last evaluated: 2026-03-17. Review status: criteria provided, single submitter. Criteria: ACMG Guidelines, 2015. Collection method: clinical testing. Allele origin: germline.
Comment: This variant is classified as likely benign based on ACMG/AMP sequence variant interpretation guidelines (Richards et al. 2015 PMID: 25741868, with internal and published modifications).

Molecular Diagnostic Laboratory for Inherited Cardiovascular Disease, Montreal Heart Institute
Classification: Likely benign. Last evaluated: 2025-04-09. Review status: criteria provided, single submitter. Criteria: ACMG Guidelines, 2015. Collection method: clinical testing. Allele origin: germline. Affected: no.

Blueprint Genetics
Classification: Likely benign. Last evaluated: 2024-11-18. Review status: criteria provided, single submitter. Criteria: ACMG Guidelines, 2015. Collection method: clinical testing. Allele origin: germline.

Zaffran Lab, Genetics of Cardiac Diseases Laboratory, Marseille Medical Genetics
Classification: Uncertain significance for hypertrophic cardiomyopathy. Review status: no assertion criteria provided. Collection method: research. Allele origin: unknown. Affected: yes. Not counted in ClinVar's aggregate classification.